The following is an entry in ClinVar:

NM_006739.4(MCM5):c.272A>C (p.Gln91Pro)

Gene: MCM5 (minichromosome maintenance complex component 5; plus strand). Cytogenetic location: 22q12.3.
Variant type: single nucleotide variant.
Coding change: c.272A>C on transcript NM_006739.4 (MANE Select); coding-DNA position 272, A replaced by C.
Protein change: p.Gln91Pro; replaces glutamine 91 with proline.
Molecular consequence: missense variant.
Genome position (GRCh38, 1-based): chr22:35,403,311, A>C. VCF-style: chr22-35403311-A-C. GRCh37 (hg19) VCF-style: chr22-35799304-A-C.
Other names: short protein forms Q91P.
Identifiers: ClinVar variation 1503647 (VCV001503647.8), dbSNP rs1479350939, ClinGen allele CA411359777.

ClinVar aggregate classification (germline): Uncertain significance (1 of 4 stars; one submission).

Allele frequency attached by ClinVar (database versions not stated): TOPMed 0.00001; gnomAD 0.00002; gnomAD exomes 0.00002.

Submission:

Labcorp Genetics (formerly Invitae), Labcorp
Classification: Uncertain significance. Last evaluated: 2026-01-04. Review status: criteria provided, single submitter. Criteria: Invitae Variant Classification Sherloc (09022015). Collection method: clinical testing. Allele origin: germline.
Comment: This sequence change replaces glutamine, which is neutral and polar, with proline, which is neutral and non-polar, at codon 91 of the MCM5 protein (p.Gln91Pro). The frequency data for this variant in the population databases is considered unreliable, as metrics indicate poor data quality at this position in the gnomAD database. This variant has not been reported in the literature in individuals affected with MCM5-related conditions. ClinVar contains an entry for this variant (Variation ID: 1503647). Invitae Evidence Modeling of protein sequence and biophysical properties (such as structural, functional, and spatial information, amino acid conservation, physicochemical variation, residue mobility, and thermodynamic stability) indicates that this missense variant is expected to disrupt MCM5 protein function with a positive predictive value of 80%. In summary, the available evidence is currently insufficient to determine the role of this variant in disease. Therefore, it has been classified as a Variant of Uncertain Significance.